The following is an entry in ClinVar:

NM_000660.7(TGFB1):c.1156_1157del (p.Ser386fs)

Gene: TGFB1 (transforming growth factor beta 1; minus strand). Cytogenetic location: 19q13.2.
Variant type: Deletion.
Coding change: c.1156_1157del on transcript NM_000660.7 (MANE Select); coding-DNA positions 1156 to 1157, 2 bases deleted (TC; older notation c.1156_1157delTC).
Protein change: p.Ser386fs; shifts the reading frame from serine 386.
Molecular consequence: frameshift variant.
Genome position (GRCh38, 1-based): chr19:41,331,068-41,331,069, GA deleted on the plus strand (TC on the coding strand, the reverse complement: TGFB1 is on the minus strand); deleting any 2 consecutive bases within chr19:41,331,068-41,331,070 gives the same sequence; the c. name uses the placement nearest the transcript's 3' end. VCF-style (leftmost placement, unchanged base first): chr19-41331067-GGA-G. GRCh37 (hg19) VCF-style: chr19-41836972-GGA-G.
Other names: short protein forms S386fs.
Identifiers: ClinVar variation 1945243 (VCV001945243.5), dbSNP rs2513371758, ClinGen allele CA2580097326.

ClinVar aggregate classification (germline): Uncertain significance (1 of 4 stars; one submission).

Submission:

Labcorp Genetics (formerly Invitae), Labcorp
Classification: Uncertain significance. Last evaluated: 2022-08-21. Review status: criteria provided, single submitter. Criteria: Invitae Variant Classification Sherloc (09022015). Collection method: clinical testing. Allele origin: germline.
Comment: In summary, the available evidence is currently insufficient to determine the role of this variant in disease. Therefore, it has been classified as a Variant of Uncertain Significance. Experimental studies and prediction algorithms are not available or were not evaluated, and the functional significance of this variant is currently unknown. This variant has not been reported in the literature in individuals affected with TGFB1-related conditions. This variant is not present in population databases (gnomAD no frequency). This sequence change results in a frameshift in the TGFB1 gene (p.Ser386Leufs*34). While this is not anticipated to result in nonsense mediated decay, it is expected to disrupt the last 5 amino acid(s) of the TGFB1 protein and extend the protein by 28 additional amino acid residues.